The following is an entry in ClinVar:

ClinVar aggregate classification (germline): Likely benign (1 of 4 stars; one submission).

Allele frequency attached by ClinVar (database versions not stated): gnomAD exomes 0.00001 and 0.00003; ExAC 0.00002; TOPMed 0.00002.
gnomAD v4.1: 8 of 1,592,454 alleles (0.0005%); highest among the groups gnomAD compares: Admixed American, 0.013%; no homozygotes.

Submission:

GeneDx
Classification: Likely benign. Last evaluated: 2017-03-10. Review status: criteria provided, single submitter. Criteria: GeneDx Variant Classification (06012015). Collection method: clinical testing. Allele origin: germline. Affected: yes.
Comment: This variant is considered likely benign or benign based on one or more of the following criteria: it is a conservative change, it occurs at a poorly conserved position in the protein, it is predicted to be benign by multiple in silico algorithms, and/or has population frequency not consistent with disease.

NM_016599.5(MYOZ2):c.-14-20T>C

Gene: MYOZ2 (myozenin 2; plus strand). Cytogenetic location: 4q26.
Variant type: single nucleotide variant.
Coding change: c.-14-20T>C on transcript NM_016599.5 (MANE Select); 20 bases into the intron before 14 bases upstream of the start codon, T replaced by C.
Molecular consequence: intron variant.
Genome position (GRCh38, 1-based): chr4:119,136,492, T>C. VCF-style: chr4-119136492-T-C. GRCh37 (hg19) VCF-style: chr4-120057647-T-C.
Identifiers: ClinVar variation 507894 (VCV000507894.1), dbSNP rs765760107, ClinGen allele CA3058509.